The following is an entry in ClinVar:

ClinVar aggregate classification (germline): Uncertain significance (1 of 4 stars; one submission).

Submission:

Labcorp Genetics (formerly Invitae), Labcorp
Classification: Uncertain significance. Last evaluated: 2022-03-01. Review status: criteria provided, single submitter. Criteria: Invitae Variant Classification Sherloc (09022015). Collection method: clinical testing. Allele origin: germline.
Comment: In summary, the available evidence is currently insufficient to determine the role of this variant in disease. Therefore, it has been classified as a Variant of Uncertain Significance. Algorithms developed to predict the effect of missense changes on protein structure and function (SIFT, PolyPhen-2, Align-GVGD) all suggest that this variant is likely to be tolerated. This variant has not been reported in the literature in individuals affected with EMC1-related conditions. This variant is not present in population databases (gnomAD no frequency). This sequence change replaces alanine, which is neutral and non-polar, with aspartic acid, which is acidic and polar, at codon 226 of the EMC1 protein (p.Ala226Asp).

NM_015047.3(EMC1):c.677C>A (p.Ala226Asp)

Genes: EMC1 (ER membrane protein complex subunit 1; minus strand), EMC1-AS1 (EMC1 antisense RNA 1; plus strand). Cytogenetic location: 1p36.13.
Variant type: single nucleotide variant.
Coding change: c.677C>A on transcript NM_015047.3 (MANE Select); coding-DNA position 677, C replaced by A.
Protein change: p.Ala226Asp; replaces alanine 226 with aspartic acid.
Molecular consequence: missense variant. On other transcripts: non-coding transcript variant (1).
Genome position (GRCh38, 1-based): chr1:19,240,406, G>T on the plus strand (C>A on the coding strand, the complement: EMC1 is on the minus strand). VCF-style: chr1-19240406-G-T. GRCh37 (hg19) VCF-style: chr1-19566900-G-T.
Other names: c.677C>A, p.Ala226Asp (NM_001271427.2, NM_001271428.2, NM_001375820.1 and 1 more transcripts); c.611C>A, p.Ala204Asp (NM_001271429.2); short protein forms A204D, A226D.
Identifiers: ClinVar variation 2105331 (VCV002105331.4), dbSNP rs775355750, ClinGen allele CA338769189.